The following is an entry in ClinVar:

NM_003901.4(SGPL1):c.1340A>C (p.Gln447Pro)

Gene: SGPL1 (sphingosine-1-phosphate lyase 1; plus strand). Cytogenetic location: 10q22.1.
Variant type: single nucleotide variant.
Coding change: c.1340A>C on transcript NM_003901.4 (MANE Select); coding-DNA position 1340, A replaced by C.
Protein change: p.Gln447Pro; replaces glutamine 447 with proline.
Molecular consequence: missense variant.
Genome position (GRCh38, 1-based): chr10:70,875,443, A>C. VCF-style: chr10-70875443-A-C. GRCh37 (hg19) VCF-style: chr10-72635200-A-C.
Other names: short protein forms Q447P.
Identifiers: ClinVar variation 2101525 (VCV002101525.4), dbSNP rs2492809019, ClinGen allele CA377125969.

ClinVar aggregate classification (germline): Uncertain significance (1 of 4 stars; one submission).

Allele frequency attached by ClinVar (database versions not stated): gnomAD exomes below 0.00001.
gnomAD v4.1: 1 of 1,612,610 alleles (0.000062%); highest among the groups gnomAD compares: African/African-American, 0.0013%; no homozygotes.

Submission:

Labcorp Genetics (formerly Invitae), Labcorp
Classification: Uncertain significance. Last evaluated: 2025-06-12. Review status: criteria provided, single submitter. Criteria: Invitae Variant Classification Sherloc (09022015). Collection method: clinical testing. Allele origin: germline.
Comment: This sequence change replaces glutamine, which is neutral and polar, with proline, which is neutral and non-polar, at codon 447 of the SGPL1 protein (p.Gln447Pro). This variant is not present in population databases (gnomAD no frequency). This variant has not been reported in the literature in individuals affected with SGPL1-related conditions. ClinVar contains an entry for this variant (Variation ID: 2101525). Invitae Evidence Modeling of protein sequence and biophysical properties (such as structural, functional, and spatial information, amino acid conservation, physicochemical variation, residue mobility, and thermodynamic stability) indicates that this missense variant is not expected to disrupt SGPL1 protein function with a negative predictive value of 80%. In summary, the available evidence is currently insufficient to determine the role of this variant in disease. Therefore, it has been classified as a Variant of Uncertain Significance.